The following is an entry in ClinVar:

ClinVar aggregate classification (germline): Uncertain significance. Review status: criteria provided, multiple submitters, no conflicts (2 of 4 stars). 3 submissions from 3 submitters: Uncertain significance (3). Last evaluated 2024-03-28.

Conditions:
Autosomal recessive nonsyndromic hearing loss 84B. Also called: Deafness, autosomal recessive 84b. Identifiers: Orphanet 90636, MedGen C3554159, MONDO:0013984, OMIM 614944.
Inborn genetic diseases. Identifiers: MedGen C0950123, MeSH D030342.

Allele frequency attached by ClinVar (database versions not stated): ExAC below 0.00001; gnomAD exomes 0.00003 and 0.00006; gnomAD 0.00006; TOPMed 0.00007.
gnomAD v4.1: 94 of 1,511,840 alleles (0.0062%); highest among the groups gnomAD compares: Non-Finnish European, 0.008%; no homozygotes.

Submissions (3):

Ambry Genetics
Classification: Uncertain significance for Inborn genetic diseases. Last evaluated: 2024-03-28. Review status: criteria provided, single submitter. Criteria: Ambry Variant Classification Scheme 2023. Collection method: clinical testing. Allele origin: germline.

Fulgent Genetics
Classification: Uncertain significance for Autosomal recessive nonsyndromic hearing loss 84B. Last evaluated: 2022-01-18. Review status: criteria provided, single submitter. Criteria: ACMG Guidelines, 2015. Collection method: clinical testing. Allele origin: unknown.

Laboratory for Molecular Medicine, Mass General Brigham Personalized Medicine
Classification: Uncertain significance. Last evaluated: 2016-12-04. Review status: criteria provided, single submitter. Criteria: LMM Criteria. Collection method: clinical testing. Allele origin: germline. Observed: 1 variant allele.
Comment: Variant classified as Uncertain Significance - Favor Benign. The p.Asp973Ala var iant in OTOGL has not been previously reported in individuals with hearing loss, but has been identified in 2/54860 European chromosomes by the Genome Aggregati on Database (gnomAD; dbSNP rs774797627). Aspar tate (Asp) at position 973 is not conserved in mammals or evolutionarily distant species and 2 mammals (Tasmanian devil and wallaby) carry an Alanine (Ala) at t his position, raising the possibility that this change may be tolerated. Additio nal computational prediction tools suggest that the p.Asp973Ala variant may not impact the protein, though this information is not predictive enough to rule out pathogenicity. In summary, while the clinical significance of the p.Asp973Ala v ariant is uncertain, these data suggest that it is more likely to be benign.

NM_001378609.3(OTOGL):c.2945A>C (p.Asp982Ala)

Gene: OTOGL (otogelin like; plus strand). Cytogenetic location: 12q21.31.
Variant type: single nucleotide variant.
Coding change: c.2945A>C on transcript NM_001378609.3 (MANE Select); coding-DNA position 2945, A replaced by C.
Protein change: p.Asp982Ala; replaces aspartic acid 982 with alanine.
Molecular consequence: missense variant. On other transcripts: intron variant (1).
Genome position (GRCh38, 1-based): chr12:80,296,843, A>C. VCF-style: chr12-80296843-A-C. GRCh37 (hg19) VCF-style: chr12-80690623-A-C.
Other names: c.2945A>C, p.Asp982Ala (NM_001378610.3, NM_173591.7); c.2929-5791A>C (NM_001368062.3); short protein forms D973A, D982A.
Identifiers: ClinVar variation 505336 (VCV000505336.7), dbSNP rs774797627, ClinGen allele CA6700935.